The following is an entry in ClinVar:

NM_001378969.1(KCND3):c.1052del (p.Phe351fs)

Gene: KCND3 (potassium voltage-gated channel subfamily D member 3; minus strand). Cytogenetic location: 1p13.2.
Variant type: Deletion.
Coding change: c.1052del on transcript NM_001378969.1 (MANE Select); coding-DNA position 1052, one base deleted (T; older notation c.1052delT).
Protein change: p.Phe351fs; shifts the reading frame from phenylalanine 351.
Molecular consequence: frameshift variant.
Genome position (GRCh38, 1-based): chr1:111,981,675, A deleted on the plus strand (T on the coding strand, the reverse complement: KCND3 is on the minus strand); the first of 2 consecutive A bases (chr1:111,981,675-111,981,676); deleting either gives the same sequence. VCF-style (leftmost placement, unchanged base first): chr1-111981674-GA-G. GRCh37 (hg19) VCF-style: chr1-112524296-GA-G.
Other names: c.1052del, p.Phe351fs (NM_001378970.1, NM_004980.5, NM_172198.3); c.1051delT, p.Phe351Serfs (NM_004980.4); short protein forms F351fs.
Identifiers: ClinVar variation 5017453 (VCV005017453.1).
Genomic context (GRCh38, chr1:111,981,674, plus strand): 5'-GACTTACCCCAGTGTGGTCATGGTGACAATGGTGTACCAAAACGAGGCAGGGATGCTTGT[GA>G]ACTTGCTGGCCGAGGAGCCCTTCTCGGCATAAAACATCACAGTGGCAAAGATGATGATGG-3'

ClinVar aggregate classification (germline): Uncertain significance (1 of 4 stars; one submission).

Submission:

GeneDx
Classification: Uncertain significance. Last evaluated: 2026-03-27. Review status: criteria provided, single submitter. Criteria: GeneDx Variant Classification Process June 2021. Collection method: clinical testing. Allele origin: germline.
Comment: Frameshift variant predicted to result in protein truncation or nonsense mediated decay in a gene or region of a gene for which loss of function is not a well-established mechanism of disease; Not observed at significant frequency in large population cohorts (gnomAD); Has not been previously published as pathogenic or benign to our knowledge